The following is an entry in ClinVar:

ClinVar aggregate classification (germline): Uncertain significance. Review status: criteria provided, multiple submitters, no conflicts (2 of 4 stars). 2 submissions from 2 submitters: Uncertain significance (2). Last evaluated 2026-08-08.

Conditions:
Spinocerebellar ataxia type 19/22 (SCA19). Also called: SPINOCEREBELLAR ATAXIA 19; SPINOCEREBELLAR ATAXIA 22. Identifiers: Orphanet 98772, MedGen C1846367, MONDO:0011819, OMIM 607346.
Cardiovascular phenotype. Identifiers: MedGen CN230736.

gnomAD v4.1: 2 of 1,614,176 alleles (0.00012%); highest among the groups gnomAD compares: Non-Finnish European, 0.00017%; no homozygotes.

Submissions (2):

Ambry Genetics
Classification: Uncertain significance for Cardiovascular phenotype. Last evaluated: 2026-08-08. Review status: criteria provided, single submitter. Criteria: Ambry Variant Classification Scheme 2023. Collection method: clinical testing. Allele origin: germline.
Comment: The p.T555R variant (also known as c.1664C>G), located in coding exon 6 of the KCND3 gene, results from a C to G substitution at nucleotide position 1664. The threonine at codon 555 is replaced by arginine, an amino acid with similar properties. This amino acid position is well conserved in available vertebrate species. In addition, the in silico prediction for this alteration is inconclusive. Based on the available evidence, the clinical significance of this variant remains unclear.

Labcorp Genetics (formerly Invitae), Labcorp
Classification: Uncertain significance for Spinocerebellar ataxia type 19/22. Last evaluated: 2024-05-06. Review status: criteria provided, single submitter. Criteria: Invitae Variant Classification Sherloc (09022015). Collection method: clinical testing. Allele origin: germline.
Comment: This sequence change replaces threonine, which is neutral and polar, with arginine, which is basic and polar, at codon 555 of the KCND3 protein (p.Thr555Arg). This variant is not present in population databases (gnomAD no frequency). This variant has not been reported in the literature in individuals affected with KCND3-related conditions. Advanced modeling of protein sequence and biophysical properties (such as structural, functional, and spatial information, amino acid conservation, physicochemical variation, residue mobility, and thermodynamic stability) performed at Invitae indicates that this missense variant is not expected to disrupt KCND3 protein function with a negative predictive value of 80%. In summary, the available evidence is currently insufficient to determine the role of this variant in disease. Therefore, it has been classified as a Variant of Uncertain Significance.

NM_001378969.1(KCND3):c.1664C>G (p.Thr555Arg)

Gene: KCND3 (potassium voltage-gated channel subfamily D member 3; minus strand). Cytogenetic location: 1p13.2.
Variant type: single nucleotide variant.
Coding change: c.1664C>G on transcript NM_001378969.1 (MANE Select); coding-DNA position 1664, C replaced by G.
Protein change: p.Thr555Arg; replaces threonine 555 with arginine.
Molecular consequence: missense variant.
Genome position (GRCh38, 1-based): chr1:111,777,128, G>C on the plus strand (C>G on the coding strand, the complement: KCND3 is on the minus strand). VCF-style: chr1-111777128-G-C. GRCh37 (hg19) VCF-style: chr1-112319750-G-C.
Other names: c.1607C>G, p.Thr536Arg (NM_001378970.1, NM_172198.3); c.1664C>G, p.Thr555Arg (NM_004980.5); short protein forms T536R, T555R.
Identifiers: ClinVar variation 3626141 (VCV003626141.3).